The following is an entry in ClinVar:

NM_018671.5(UNC45A):c.1493C>T (p.Ala498Val)

Gene: UNC45A (unc-45 myosin chaperone A; plus strand). Cytogenetic location: 15q26.1.
Variant type: single nucleotide variant.
Coding change: c.1493C>T on transcript NM_018671.5 (MANE Select); coding-DNA position 1493, C replaced by T.
Protein change: p.Ala498Val; replaces alanine 498 with valine.
Molecular consequence: missense variant.
Genome position (GRCh38, 1-based): chr15:90,946,907, C>T. VCF-style: chr15-90946907-C-T. GRCh37 (hg19) VCF-style: chr15-91490137-C-T.
Other names: c.1448C>T, p.Ala483Val (NM_001039675.2, NM_001323621.2); c.1493C>T, p.Ala498Val (NM_001323619.1); c.1058C>T, p.Ala353Val (NM_001323620.2); short protein forms A353V, A498V, A483V.
Identifiers: ClinVar variation 1440035 (VCV001440035.6), dbSNP rs139324738, ClinGen allele CA7742919.
Genomic context (GRCh38, chr15:90,946,907, plus strand): 5'-GTGTCTCGCTGCTGAAGGACCTATATAAGTGCAGCGAGAAGGACAGCATCCGCATCCGGG[C>T]GCTAGTGGTGAGACGGTGGGCCTGGGGTGGGTGGGCAGGCAGCCAGGCAGGGGTCCTGGT-3'
Protein context (NP_061141.2, residues 488-508): CSEKDSIRIR[Ala498Val]LVGLCKLGSA

ClinVar aggregate classification (germline): Uncertain significance (1 of 4 stars; one submission).

Allele frequency attached by ClinVar (database versions not stated): gnomAD 0.00001 and 0.00006; TOPMed 0.00002; gnomAD exomes 0.00005 and 0.00007; ESP Exome Variant Server 0.00008; ExAC 0.00010; 1000 Genomes Project 30x 0.00031; 1000 Genomes Project 0.00040.
gnomAD v4.1: 76 of 1,400,188 alleles (0.0054%); highest among the groups gnomAD compares: East Asian, 0.033%; 1 homozygote.

Submission:

Labcorp Genetics (formerly Invitae), Labcorp
Classification: Uncertain significance. Last evaluated: 2024-06-17. Review status: criteria provided, single submitter. Criteria: Invitae Variant Classification Sherloc (09022015). Collection method: clinical testing. Allele origin: germline.
Comment: This sequence change replaces alanine, which is neutral and non-polar, with valine, which is neutral and non-polar, at codon 498 of the UNC45A protein (p.Ala498Val). This variant is present in population databases (rs139324738, gnomAD 0.03%). This variant has not been reported in the literature in individuals affected with UNC45A-related conditions. ClinVar contains an entry for this variant (Variation ID: 1440035). Advanced modeling of protein sequence and biophysical properties (such as structural, functional, and spatial information, amino acid conservation, physicochemical variation, residue mobility, and thermodynamic stability) performed at Invitae indicates that this missense variant is not expected to disrupt UNC45A protein function with a negative predictive value of 80%. In summary, the available evidence is currently insufficient to determine the role of this variant in disease. Therefore, it has been classified as a Variant of Uncertain Significance.